The following is an entry in ClinVar:

NM_006351.4(TIMM44):c.184G>A (p.Gly62Ser)

Gene: TIMM44 (translocase of inner mitochondrial membrane 44; minus strand). Cytogenetic location: 19p13.2.
Variant type: single nucleotide variant.
Coding change: c.184G>A on transcript NM_006351.4 (MANE Select); coding-DNA position 184, G replaced by A.
Protein change: p.Gly62Ser; replaces glycine 62 with serine.
Molecular consequence: missense variant.
Genome position (GRCh38, 1-based): chr19:7,938,155, C>T on the plus strand (G>A on the coding strand, the complement: TIMM44 is on the minus strand). VCF-style: chr19-7938155-C-T. GRCh37 (hg19) VCF-style: chr19-8003040-C-T.
Other names: p.G62S:GGC>AGC; short protein forms G62S.
Identifiers: ClinVar variation 137654 (VCV000137654.9), dbSNP rs144317041, ClinGen allele CA291305.
Genomic context (GRCh38, chr19:7,938,155, plus strand): 5'-TTATACTTTCTTTCATTTCTTTGTTTTTGGCTAATTCTTGTTTGACATTATCTAGCAAGC[C>T]GGACAGAAAGCCTTTTCTGTTTCCAGAAGAATATGATTTGGACTAGAAAGAATGTACAAG-3'
Protein context (NP_006342.2, residues 52-72): SSGNRKGFLS[Gly62Ser]LLDNVKQELA

ClinVar aggregate classification (germline): Benign. Review status: criteria provided, multiple submitters, no conflicts (2 of 4 stars). 4 submissions from 4 submitters: Benign (3). 1 of the submissions does not count toward it. Last evaluated 2018-07-17.

Allele frequency attached by ClinVar (database versions not stated): gnomAD exomes 0.00836 and 0.01213; ESP Exome Variant Server 0.00853; 1000 Genomes Project 30x 0.00359; TOPMed 0.00746; gnomAD 0.00844 and 0.00890; 1000 Genomes Project 0.00399; ExAC 0.00822.
gnomAD v4.1: 18,963 of 1,613,562 alleles (1.2%); highest among the groups gnomAD compares: Non-Finnish European, 1.4%; 149 homozygotes.

Submissions (4):

Labcorp Genetics (formerly Invitae), Labcorp
Classification: Benign. Last evaluated: 2018-07-17. Review status: criteria provided, single submitter. Criteria: Invitae Variant Classification Sherloc (09022015). Collection method: clinical testing. Allele origin: germline.

GeneDx
Classification: Benign. Last evaluated: 2013-11-19. Review status: criteria provided, single submitter. Criteria: GeneDx Variant Classification (06012015). Collection method: clinical testing. Allele origin: germline. Affected: yes.
Comment: This variant is considered likely benign or benign based on one or more of the following criteria: it is a conservative change, it occurs at a poorly conserved position in the protein, it is predicted to be benign by multiple in silico algorithms, and/or has population frequency not consistent with disease.

Breakthrough Genomics
Classification: Benign. Review status: criteria provided, single submitter. Criteria: ACMG Guidelines, 2015. Collection method: not provided. Allele origin: germline. Inheritance: Unknown mechanism. Affected: yes.

Mayo Clinic Laboratories, Mayo Clinic
Classification: Likely benign. Last evaluated: 2017-12-28. Review status: no assertion criteria provided. Collection method: clinical testing. Allele origin: unknown. Not counted in ClinVar's aggregate classification.